The following is an entry in ClinVar:

NM_000038.6(APC):c.3240G>C (p.Glu1080Asp)

Gene: APC (APC regulator of Wnt signaling pathway; plus strand). Cytogenetic location: 5q22.2.
Variant type: single nucleotide variant.
Coding change: c.3240G>C on transcript NM_000038.6 (MANE Select); coding-DNA position 3240, G replaced by C.
Protein change: p.Glu1080Asp; replaces glutamic acid 1080 with aspartic acid.
Molecular consequence: missense variant. On other transcripts: non-coding transcript variant (2).
Genome position (GRCh38, 1-based): chr5:112,838,834, G>C. VCF-style: chr5-112838834-G-C. GRCh37 (hg19) VCF-style: chr5-112174531-G-C.
Other names: c.2853G>C, p.Glu951Asp (NM_001407467.1, NM_001407469.1); c.2391G>C, p.Glu797Asp (NM_001407470.1, NM_001354906.2); c.2088G>C, p.Glu696Asp (NM_001407471.1, NM_001407472.1); c.3240G>C (NM_000038.5); c.3240G>C, p.Glu1080Asp (NM_001127510.3, NM_001354895.2, NM_001407450.1); c.3186G>C, p.Glu1062Asp (NM_001127511.3); c.3294G>C, p.Glu1098Asp (NM_001354896.2, NM_001407447.1, NM_001407448.1 and 1 more transcripts); c.3270G>C, p.Glu1090Asp (NM_001354897.2); and 12 more; short protein forms E1055D, E1062D, E1098D, E696D, E954D, E979D, E1021D, E1039D.
Identifiers: ClinVar variation 3705954 (VCV003705954.3).

ClinVar aggregate classification (germline): Uncertain significance. Review status: criteria provided, multiple submitters, no conflicts (2 of 4 stars). 2 submissions from 2 submitters: Uncertain significance (2). Last evaluated 2026-02-04.

Conditions:
Hereditary cancer-predisposing syndrome. Also called: Hereditary Cancer Syndrome; Neoplastic Syndromes, Hereditary; Tumor predisposition; Hereditary neoplastic syndrome. Identifiers: Orphanet 140162, MedGen C0027672, MeSH D009386, MONDO:0015356.
Familial adenomatous polyposis 1 (FAP1). Also called: FAMILIAL ADENOMATOUS POLYPOSIS 1, ATTENUATED; POLYPOSIS, ADENOMATOUS INTESTINAL. Identifiers: MedGen C2713442, MONDO:0021056, OMIM 175100. Disease mechanism: loss of function.

Submissions (2):

Ambry Genetics
Classification: Uncertain significance for Hereditary cancer-predisposing syndrome. Last evaluated: 2026-02-04. Review status: criteria provided, single submitter. Criteria: Ambry Variant Classification Scheme 2023. Collection method: clinical testing. Allele origin: germline.
Comment: The p.E1080D variant (also known as c.3240G>C), located in coding exon 15 of the APC gene, results from a G to C substitution at nucleotide position 3240. The glutamic acid at codon 1080 is replaced by aspartic acid, an amino acid with highly similar properties. This amino acid position is highly conserved in available vertebrate species. In addition, in silico predictors for this gene do not accurately predict pathogenicity. Missense variants in APC are not a common cause of disease (Spier I et al. Genet Med. 2024 Feb;26(2):100992). Based on the available evidence, the clinical significance of this variant remains unclear.

Labcorp Genetics (formerly Invitae), Labcorp
Classification: Uncertain significance for Familial adenomatous polyposis 1. Last evaluated: 2025-09-09. Review status: criteria provided, single submitter. Criteria: Invitae Variant Classification Sherloc (09022015). Collection method: clinical testing. Allele origin: germline.
Comment: This sequence change replaces glutamic acid, which is acidic and polar, with aspartic acid, which is acidic and polar, at codon 1080 of the APC protein (p.Glu1080Asp). This variant is not present in population databases (gnomAD no frequency). This variant has not been reported in the literature in individuals affected with APC-related conditions. ClinVar contains an entry for this variant (Variation ID: 3705954). Invitae Evidence Modeling of protein sequence and biophysical properties (such as structural, functional, and spatial information, amino acid conservation, physicochemical variation, residue mobility, and thermodynamic stability) indicates that this missense variant is not expected to disrupt APC protein function with a negative predictive value of 95%. In summary, the available evidence is currently insufficient to determine the role of this variant in disease. Therefore, it has been classified as a Variant of Uncertain Significance.